The following is an entry in ClinVar:

NM_001298.3(CNGA3):c.1639T>C (p.Phe547Leu)

Gene: CNGA3 (cyclic nucleotide gated channel subunit alpha 3; plus strand). Cytogenetic location: 2q11.2.
Variant type: single nucleotide variant.
Coding change: c.1639T>C on transcript NM_001298.3 (MANE Select); coding-DNA position 1639, T replaced by C.
Protein change: p.Phe547Leu; replaces phenylalanine 547 with leucine.
Molecular consequence: missense variant.
Genome position (GRCh38, 1-based): chr2:98,396,809, T>C. VCF-style: chr2-98396809-T-C. GRCh37 (hg19) VCF-style: chr2-99013272-T-C.
Other names: c.1585T>C, p.Phe529Leu (NM_001079878.2); short protein forms F529L, F547L.
Identifiers: ClinVar variation 4800244 (VCV004800244.1).

ClinVar aggregate classification (germline): Pathogenic (1 of 4 stars; one submission).

Submission:

Labcorp Genetics (formerly Invitae), Labcorp
Classification: Pathogenic. Last evaluated: 2025-12-06. Review status: criteria provided, single submitter. Criteria: Invitae Variant Classification Sherloc (09022015). Collection method: clinical testing. Allele origin: germline.
Comment: This sequence change replaces phenylalanine, which is neutral and non-polar, with leucine, which is neutral and non-polar, at codon 547 of the CNGA3 protein (p.Phe547Leu). This variant is not present in population databases (gnomAD no frequency). This missense change has been observed in individuals with achromatopsia (PMID: 11536077). Invitae Evidence Modeling of protein sequence and biophysical properties (such as structural, functional, and spatial information, amino acid conservation, physicochemical variation, residue mobility, and thermodynamic stability) indicates that this missense variant is expected to disrupt CNGA3 protein function with a positive predictive value of 95%. This variant disrupts the p.Phe547 amino acid residue in CNGA3. Other variant(s) that disrupt this residue have been determined to be pathogenic (PMID: 25616768). This suggests that this residue is clinically significant, and that variants that disrupt this residue are likely to be disease-causing. For these reasons, this variant has been classified as Pathogenic.

Literature cited by the submitters: PubMed 11536077; PubMed 25616768.